The following is an entry in ClinVar:

ClinVar aggregate classification (germline): Uncertain significance (1 of 4 stars; one submission).

Allele frequency attached by ClinVar (database versions not stated): gnomAD exomes below 0.00001.
gnomAD v4.1: 1 of 1,612,618 alleles (0.000062%); highest among the groups gnomAD compares: East Asian, 0.0022%; no homozygotes.

Submission:

CeGaT Center for Human Genetics Tuebingen
Classification: Uncertain significance. Last evaluated: 2023-02-01. Review status: criteria provided, single submitter. Criteria: CeGaT Center For Human Genetics Tuebingen Variant Classification Criteria Version 2. Collection method: clinical testing. Allele origin: germline. Affected: yes. Observed: 1 variant allele.
Comment: FBN2: PM2

NM_001999.4(FBN2):c.3002A>G (p.Glu1001Gly)

Genes: FBN2 (fibrillin 2; minus strand), LOC126807501 (BRD4-independent group 4 enhancer GRCh37_chr5:127680731-127681930; plus strand). Cytogenetic location: 5q23.3.
Variant type: single nucleotide variant.
Coding change: c.3002A>G on transcript NM_001999.4 (MANE Select); coding-DNA position 3002, A replaced by G.
Protein change: p.Glu1001Gly; replaces glutamic acid 1001 with glycine.
Molecular consequence: missense variant.
Genome position (GRCh38, 1-based): chr5:128,345,572, T>C on the plus strand (A>G on the coding strand, the complement: FBN2 is on the minus strand). VCF-style: chr5-128345572-T-C. GRCh37 (hg19) VCF-style: chr5-127681264-T-C.
Other names: short protein forms E1001G.
Identifiers: ClinVar variation 2655684 (VCV002655684.24), dbSNP rs1255696984, ClinGen allele CA360764370.
Genomic context (GRCh38, chr5:128,345,572, plus strand): 5'-CGGAACTTTCCAGGAACGGGGTGGATGCATTCATCTTCATCCCACTTCAAGTAACACTGC[T>C]CCATGCGAATATCTACACCGAGAACGAAATCACAGGGTGAGAATGAGTTGAAACATCCAT-3'
Protein context (NP_001990.2, residues 991-1011): TGRVCLDIRM[Glu1001Gly]QCYLKWDEDE